The following is an entry in ClinVar:

Single allele

Gene: DMD (dystrophin; minus strand). Cytogenetic location: Xp21.1.
Variant type: Deletion.
Identifiers: ClinVar variation 4682461 (VCV004682461.1).

ClinVar aggregate classification (germline): Pathogenic (1 of 4 stars; one submission).

Submission:

Athena Diagnostics
Classification: Pathogenic. Last evaluated: 2025-10-30. Review status: criteria provided, single submitter. Criteria: Athena Diagnostics Criteria. Collection method: clinical testing. Allele origin: unknown.
Comment: This variant is expected to result in the loss of a functional protein. Similar deletions of exons 16-17 have not been reported in large, multi-ethnic general populations (Genome Aggregation Database (gnomAD), Cambridge, MA (URL)). Multiple unrelated individuals with Duchenne muscular dystrophy (DMD) have been reported with similar deletions of exons 16-17.

Literature cited by the submitters: PubMed 16049303; PubMed 23438214; PubMed 31139960; PubMed 33843695.